The following is an entry in ClinVar:

NM_152594.3(SPRED1):c.641G>A (p.Arg214Gln)

Gene: SPRED1 (sprouty related EVH1 domain containing 1; plus strand). Cytogenetic location: 15q14.
Variant type: single nucleotide variant.
Coding change: c.641G>A on transcript NM_152594.3 (MANE Select); coding-DNA position 641, G replaced by A.
Protein change: p.Arg214Gln; replaces arginine 214 with glutamine.
Molecular consequence: missense variant.
Genome position (GRCh38, 1-based): chr15:38,349,480, G>A. VCF-style: chr15-38349480-G-A. GRCh37 (hg19) VCF-style: chr15-38641681-G-A.
Other names: short protein forms R214Q.
Identifiers: ClinVar variation 1020173 (VCV001020173.23), dbSNP rs371274407, ClinGen allele CA269293277.

ClinVar aggregate classification (germline): Uncertain significance. Review status: criteria provided, multiple submitters, no conflicts (2 of 4 stars). 2 submissions from 2 submitters: Uncertain significance (2). Last evaluated 2025-11-03.

Conditions:
Legius syndrome. Identifiers: Orphanet 137605, MedGen C1969623, MONDO:0012669, OMIM 611431. Disease mechanism: loss of function.

Allele frequency attached by ClinVar (database versions not stated): TOPMed below 0.00001; gnomAD 0.00001; gnomAD exomes 0.00001.
gnomAD v4.1: 21 of 1,612,454 alleles (0.0013%); highest among the groups gnomAD compares: Admixed American, 0.0017%; no homozygotes.

Submissions (2):

Labcorp Genetics (formerly Invitae), Labcorp
Classification: Uncertain significance for Legius syndrome. Last evaluated: 2025-11-03. Review status: criteria provided, single submitter. Criteria: Invitae Variant Classification Sherloc (09022015). Collection method: clinical testing. Allele origin: germline.
Comment: This sequence change replaces arginine, which is basic and polar, with glutamine, which is neutral and polar, at codon 214 of the SPRED1 protein (p.Arg214Gln). This variant is present in population databases (rs371274407, gnomAD 0.003%). This variant has not been reported in the literature in individuals affected with SPRED1-related conditions. ClinVar contains an entry for this variant (Variation ID: 1020173). Invitae Evidence Modeling of protein sequence and biophysical properties (such as structural, functional, and spatial information, amino acid conservation, physicochemical variation, residue mobility, and thermodynamic stability) indicates that this missense variant is not expected to disrupt SPRED1 protein function with a negative predictive value of 80%. In summary, the available evidence is currently insufficient to determine the role of this variant in disease. Therefore, it has been classified as a Variant of Uncertain Significance.

CeGaT Center for Human Genetics Tuebingen
Classification: Uncertain significance. Last evaluated: 2024-11-01. Review status: criteria provided, single submitter. Criteria: CeGaT Center For Human Genetics Tuebingen Variant Classification Criteria Version 2. Collection method: clinical testing. Allele origin: germline. Affected: yes. Observed: 1 variant allele.